The following is an entry in ClinVar:

NM_018136.5(ASPM):c.8249G>C (p.Arg2750Thr)

Gene: ASPM (assembly factor for spindle microtubules; minus strand). Cytogenetic location: 1q31.3.
Variant type: single nucleotide variant.
Coding change: c.8249G>C on transcript NM_018136.5 (MANE Select); coding-DNA position 8249, G replaced by C.
Protein change: p.Arg2750Thr; replaces arginine 2750 with threonine.
Molecular consequence: missense variant. On other transcripts: intron variant (1).
Genome position (GRCh38, 1-based): chr1:197,101,002, C>G on the plus strand (G>C on the coding strand, the complement: ASPM is on the minus strand). VCF-style: chr1-197101002-C-G. GRCh37 (hg19) VCF-style: chr1-197070132-C-G.
Other names: c.8249G>C (NM_018136.4); c.4066-4838G>C (NM_001206846.2); short protein forms R2750T.
Identifiers: ClinVar variation 1433831 (VCV001433831.7), dbSNP rs2125093619, ClinGen allele CA344013789.

ClinVar aggregate classification (germline): Uncertain significance. Review status: criteria provided, multiple submitters, no conflicts (2 of 4 stars). 2 submissions from 2 submitters: Uncertain significance (2). Last evaluated 2024-09-26.

Conditions:
Inborn genetic diseases. Identifiers: MedGen C0950123, MeSH D030342.

Submissions (2):

Ambry Genetics
Classification: Uncertain significance for Inborn genetic diseases. Last evaluated: 2024-09-26. Review status: criteria provided, single submitter. Criteria: Ambry Variant Classification Scheme 2023. Collection method: clinical testing. Allele origin: germline.

Labcorp Genetics (formerly Invitae), Labcorp
Classification: Uncertain significance. Last evaluated: 2022-06-13. Review status: criteria provided, single submitter. Criteria: Invitae Variant Classification Sherloc (09022015). Collection method: clinical testing. Allele origin: germline.
Comment: In summary, the available evidence is currently insufficient to determine the role of this variant in disease. Therefore, it has been classified as a Variant of Uncertain Significance. Algorithms developed to predict the effect of missense changes on protein structure and function are either unavailable or do not agree on the potential impact of this missense change (SIFT: "Tolerated"; PolyPhen-2: "Possibly Damaging"; Align-GVGD: "Class C0"). This variant has not been reported in the literature in individuals affected with ASPM-related conditions. This variant is not present in population databases (gnomAD no frequency). This sequence change replaces arginine, which is basic and polar, with threonine, which is neutral and polar, at codon 2750 of the ASPM protein (p.Arg2750Thr).